The following is an entry in ClinVar:

ClinVar aggregate classification (germline): Benign/Likely benign. Review status: criteria provided, multiple submitters, no conflicts (2 of 4 stars). 4 submissions from 4 submitters: Benign (2); Likely benign (2). Last evaluated 2026-01-27.

Conditions:
Hereditary spastic paraplegia 7 (SPG7). Also called: SPG7-related neurologic disorder; Spastic paraplegia 7; Hereditary spastic paraplegia Paraplegin type; Autosomal recessive spastic paraplegia type 7; SPASTIC PARAPLEGIA 7, AUTOSOMAL RECESSIVE, WITH OR WITHOUT CEREBELLAR ATAXIA. Identifiers: Orphanet 99013, MedGen C1846564, MONDO:0011803, OMIM 607259.

Allele frequency attached by ClinVar (database versions not stated): 1000 Genomes Project 30x 0.00671; ExAC 0.00331; ESP Exome Variant Server 0.00654; gnomAD 0.00558; TOPMed 0.00690; 1000 Genomes Project 0.00699.
gnomAD v4.1: 4,230 of 1,613,098 alleles (0.26%); highest among the groups gnomAD compares: Middle Eastern, 2.8%; 24 homozygotes.

Submissions (11):

Labcorp Genetics (formerly Invitae), Labcorp
Classification: Benign for Hereditary spastic paraplegia 7. Last evaluated: 2026-01-27. Review status: criteria provided, single submitter. Criteria: Invitae Variant Classification Sherloc (09022015). Collection method: clinical testing. Allele origin: germline.

GeneDx
Classification: Benign. Last evaluated: 2013-12-26. Review status: criteria provided, single submitter. Criteria: GeneDx Variant Classification (06012015). Collection method: clinical testing. Allele origin: germline. Affected: yes.
Comment: This variant is considered likely benign or benign based on one or more of the following criteria: it is a conservative change, it occurs at a poorly conserved position in the protein, it is predicted to be benign by multiple in silico algorithms, and/or has population frequency not consistent with disease.

Breakthrough Genomics
Classification: Likely benign. Review status: criteria provided, single submitter. Criteria: ACMG Guidelines, 2015. Collection method: not provided. Allele origin: germline. Inheritance: Autosomal recessive inheritance. Affected: yes.

PreventionGenetics, part of Exact Sciences
Classification: Likely benign. Review status: criteria provided, single submitter. Criteria: ACMG Guidelines, 2015. Collection method: clinical testing. Allele origin: germline.

Dr. Peter K. Rogan Lab, Western University
No classification provided (evidence only). Condition: Acute myeloid leukemia. Review status: no classification provided. Collection method: in vitro. Allele origin: not applicable. Functional consequence: retained intron. Not counted in ClinVar's aggregate classification.

Dr. Peter K. Rogan Lab, Western University
No classification provided (evidence only). Condition: Uterine corpus endometrial carcinoma. Review status: no classification provided. Collection method: in vitro. Allele origin: not applicable. Functional consequence: retained intron. Not counted in ClinVar's aggregate classification.

Dr. Peter K. Rogan Lab, Western University
No classification provided (evidence only). Condition: Uterine corpus endometrial carcinoma. Review status: no classification provided. Collection method: in vitro. Allele origin: not applicable. Functional consequence: retained intron. Not counted in ClinVar's aggregate classification.

Dr. Peter K. Rogan Lab, Western University
No classification provided (evidence only). Condition: Cervical cancer. Review status: no classification provided. Collection method: in vitro. Allele origin: not applicable. Functional consequence: retained intron. Not counted in ClinVar's aggregate classification.

Dr. Peter K. Rogan Lab, Western University
No classification provided (evidence only). Condition: Sarcoma. Review status: no classification provided. Collection method: in vitro. Allele origin: not applicable. Functional consequence: retained intron. Not counted in ClinVar's aggregate classification.

Dr. Peter K. Rogan Lab, Western University
No classification provided (evidence only). Condition: Sarcoma. Review status: no classification provided. Collection method: in vitro. Allele origin: not applicable. Functional consequence: retained intron. Not counted in ClinVar's aggregate classification.

Dr. Peter K. Rogan Lab, Western University
No classification provided (evidence only). Condition: Gastric cancer. Review status: no classification provided. Collection method: in vitro. Allele origin: not applicable. Functional consequence: retained intron. Not counted in ClinVar's aggregate classification.

NM_003119.4(SPG7):c.1937-16C>G

Gene: SPG7 (SPG7 matrix AAA peptidase subunit, paraplegin; plus strand). Cytogenetic location: 16q24.3.
Variant type: single nucleotide variant.
Coding change: c.1937-16C>G on transcript NM_003119.4 (MANE Select); 16 bases into the intron before coding-DNA position 1937, C replaced by G.
Molecular consequence: intron variant.
Genome position (GRCh38, 1-based): chr16:89,553,778, C>G. VCF-style: chr16-89553778-C-G. GRCh37 (hg19) VCF-style: chr16-89620186-C-G.
Other names: c.1937-16C>G (NM_001363850.1).
Identifiers: ClinVar variation 139247 (VCV000139247.13), dbSNP rs74590011, ClinGen allele CA293673.
Genomic context (GRCh38, chr16:89,553,778, plus strand): 5'-ACCGGGACACCTGGGGCCCAGCACTGCTCTGCGCCTGCAGTGCTGAGGATGCCTCTGTCT[C>G]GACCCCGCCCTCCAGGGGCACAGGACGACCTGAGGAAGGTCACCCGCATCGCCTACTCCA-3'